The following is an entry in ClinVar:

ClinVar aggregate classification (germline): Uncertain significance (1 of 4 stars; one submission).

Conditions:
Bethlem myopathy 1A. Also called: MYOPATHY, BENIGN CONGENITAL, WITH CONTRACTURES; Bethlem myopathy 1; Bethlem Muscular Dystrophy. Identifiers: Orphanet 610, MedGen CN029274, MONDO:0024530, OMIM 158810.

Submission:

Labcorp Genetics (formerly Invitae), Labcorp
Classification: Uncertain significance for Bethlem myopathy 1A. Last evaluated: 2023-04-11. Review status: criteria provided, single submitter. Criteria: Invitae Variant Classification Sherloc (09022015). Collection method: clinical testing. Allele origin: germline.
Comment: Advanced modeling of protein sequence and biophysical properties (such as structural, functional, and spatial information, amino acid conservation, physicochemical variation, residue mobility, and thermodynamic stability) performed at Invitae indicates that this missense variant is not expected to disrupt COL6A3 protein function. In summary, the available evidence is currently insufficient to determine the role of this variant in disease. Therefore, it has been classified as a Variant of Uncertain Significance. ClinVar contains an entry for this variant (Variation ID: 1971262). This sequence change replaces serine, which is neutral and polar, with asparagine, which is neutral and polar, at codon 834 of the COL6A3 protein (p.Ser834Asn). This variant is not present in population databases (gnomAD no frequency). This variant has not been reported in the literature in individuals affected with COL6A3-related conditions.

NM_004369.4(COL6A3):c.2501G>A (p.Ser834Asn)

Gene: COL6A3 (collagen type VI alpha 3 chain; minus strand). Cytogenetic location: 2q37.3.
Variant type: single nucleotide variant.
Coding change: c.2501G>A on transcript NM_004369.4 (MANE Select); coding-DNA position 2501, G replaced by A.
Protein change: p.Ser834Asn; replaces serine 834 with asparagine.
Molecular consequence: missense variant.
Genome position (GRCh38, 1-based): chr2:237,377,341, C>T on the plus strand (G>A on the coding strand, the complement: COL6A3 is on the minus strand). VCF-style: chr2-237377341-C-T. GRCh37 (hg19) VCF-style: chr2-238285984-C-T.
Other names: c.1280G>A, p.Ser427Asn (NM_057164.5); c.1883G>A, p.Ser628Asn (NM_057165.5, NM_057167.4); c.680G>A, p.Ser227Asn (NM_057166.5); short protein forms S227N, S628N, S427N, S834N.
Identifiers: ClinVar variation 1971262 (VCV001971262.5), dbSNP rs2469914906, ClinGen allele CA351211731.